The following is an entry in ClinVar:

ClinVar aggregate classification (germline): Pathogenic (1 of 4 stars; one submission).

Submission:

Labcorp Genetics (formerly Invitae), Labcorp
Classification: Pathogenic. Last evaluated: 2025-07-16. Review status: criteria provided, single submitter. Criteria: Invitae Variant Classification Sherloc (09022015). Collection method: clinical testing. Allele origin: germline.
Comment: This sequence change creates a premature translational stop signal (p.Lys400Argfs*24) in the TBCE gene. It is expected to result in an absent or disrupted protein product. Loss-of-function variants in TBCE are known to be pathogenic (PMID: 27666369, 34134906, 34356170). This variant is not present in population databases (gnomAD no frequency). This variant has not been reported in the literature in individuals affected with TBCE-related conditions. For these reasons, this variant has been classified as Pathogenic.

Literature cited by the submitters: PubMed 27666369; PubMed 34134906; PubMed 34356170.

NM_003193.5(TBCE):c.1199del (p.Lys400fs)

Gene: TBCE (tubulin folding cofactor E; plus strand). Cytogenetic location: 1q42.3.
Variant type: Deletion.
Coding change: c.1199del on transcript NM_003193.5 (MANE Select); coding-DNA position 1199, one base deleted (A; older notation c.1199delA).
Protein change: p.Lys400fs; shifts the reading frame from lysine 400.
Molecular consequence: frameshift variant.
Genome position (GRCh38, 1-based): chr1:235,438,851, A deleted; the last of 2 consecutive A bases (chr1:235,438,850-235,438,851); deleting either gives the same sequence. VCF-style (leftmost placement, unchanged base first): chr1-235438849-TA-T. GRCh37 (hg19) VCF-style: chr1-235602164-TA-T.
Other names: c.1199del, p.Lys400fs (NM_001079515.3); c.1352del, p.Lys451fs (NM_001287801.2); c.860del, p.Lys287fs (NM_001287802.2); short protein forms K287fs, K451fs, K400fs.
Identifiers: ClinVar variation 4772214 (VCV004772214.1).